The following is an entry in ClinVar:

ClinVar aggregate classification (germline): Pathogenic. Review status: criteria provided, single submitter (1 of 4 stars). 3 submissions from 3 submitters: Pathogenic (1). 2 of the submissions do not count toward it. Last evaluated 2025-01-26.

Allele frequency attached by ClinVar (database versions not stated): TOPMed below 0.00001; ExAC 0.00001; gnomAD 0.00001; gnomAD exomes 0.00001 and 0.00002; ESP Exome Variant Server 0.00008.

Submissions (3):

Labcorp Genetics (formerly Invitae), Labcorp
Classification: Pathogenic. Last evaluated: 2025-01-26. Review status: criteria provided, single submitter. Criteria: Invitae Variant Classification Sherloc (09022015). Collection method: clinical testing. Allele origin: germline.
Comment: This sequence change creates a premature translational stop signal (p.Leu166Argfs*37) in the TMPRSS6 gene. It is expected to result in an absent or disrupted protein product. Loss-of-function variants in TMPRSS6 are known to be pathogenic (PMID: 20232450, 25156943). This variant is present in population databases (rs536767538, gnomAD 0.005%). This premature translational stop signal has been observed in individual(s) with iron-refractory iron deficiency anemia (PMID: 20232450). ClinVar contains an entry for this variant (Variation ID: 1297560). For these reasons, this variant has been classified as Pathogenic.

Clinical Genetics DNA and cytogenetics Diagnostics Lab, Erasmus MC, Erasmus Medical Center
Classification: Pathogenic. Review status: no assertion criteria provided. Collection method: clinical testing. Allele origin: germline. Affected: yes. Study: VKGL Data-share Consensus. Not counted in ClinVar's aggregate classification.

Joint Genome Diagnostic Labs from Nijmegen and Maastricht, Radboudumc and MUMC+
Classification: Pathogenic. Review status: no assertion criteria provided. Collection method: clinical testing. Allele origin: germline. Affected: yes. Study: VKGL Data-share Consensus. Not counted in ClinVar's aggregate classification.

Literature cited by the submitters: PubMed 20232450 (cited by Labcorp Genetics (formerly Invitae), Labcorp); PubMed 25156943 (cited by Labcorp Genetics (formerly Invitae), Labcorp).

NM_001374504.1(TMPRSS6):c.470del (p.Leu157fs)

Gene: TMPRSS6 (transmembrane serine protease 6; minus strand). Cytogenetic location: 22q12.3.
Variant type: Deletion.
Coding change: c.470del on transcript NM_001374504.1 (MANE Select); coding-DNA position 470, one base deleted (T; older notation c.470delT).
Protein change: p.Leu157fs; shifts the reading frame from leucine 157.
Molecular consequence: frameshift variant.
Genome position (GRCh38, 1-based): chr22:37,096,025, A deleted on the plus strand (T on the coding strand, the reverse complement: TMPRSS6 is on the minus strand). VCF-style (leftmost placement, unchanged base first): chr22-37096024-CA-C. GRCh37 (hg19) VCF-style: chr22-37492064-CA-C.
Other names: c.470del, p.Leu157fs (NM_001289000.2, NM_001289001.2, NM_153609.4); short protein forms L157fs.
Identifiers: ClinVar variation 1297560 (VCV001297560.5), dbSNP rs536767538, ClinGen allele CA10216068.